The following is an entry in ClinVar:

ClinVar aggregate classification (germline): Likely benign (1 of 4 stars; one submission).

gnomAD v4.1: 28 of 1,614,024 alleles (0.0017%); highest among the groups gnomAD compares: South Asian, 0.0022%; no homozygotes.

Submission:

CeGaT Center for Human Genetics Tuebingen
Classification: Likely benign. Last evaluated: 2026-08-01. Review status: criteria provided, single submitter. Criteria: CeGaT Center For Human Genetics Tuebingen Variant Classification Criteria Version 2. Collection method: clinical testing. Allele origin: germline. Affected: yes. Observed: 1 variant allele.
Comment: TRIO: BP4, BP7

NM_007118.4(TRIO):c.9126G>A (p.Ala3042=)

Gene: TRIO (trio Rho guanine nucleotide exchange factor; plus strand). Cytogenetic location: 5p15.2.
Variant type: single nucleotide variant.
Coding change: c.9126G>A on transcript NM_007118.4 (MANE Select); coding-DNA position 9126, G replaced by A.
Protein change: p.Ala3042=; no amino-acid change (alanine 3042 retained).
Molecular consequence: synonymous variant. On other transcripts: non-coding transcript variant (1).
Genome position (GRCh38, 1-based): chr5:14,508,254, G>A. VCF-style: chr5-14508254-G-A. GRCh37 (hg19) VCF-style: chr5-14508363-G-A.
Identifiers: ClinVar variation 5038713 (VCV005038713.1).